The following is an entry in ClinVar:

ClinVar aggregate classification (germline): Uncertain significance (1 of 4 stars; one submission).

Conditions:
Hereditary cancer-predisposing syndrome. Also called: Tumor predisposition; Hereditary neoplastic syndrome; Hereditary Cancer Syndrome; Neoplastic Syndromes, Hereditary. Identifiers: Orphanet 140162, MedGen C0027672, MeSH D009386, MONDO:0015356.

Allele frequency attached by ClinVar (database versions not stated): gnomAD exomes below 0.00001.

Submission:

Ambry Genetics
Classification: Uncertain significance for Hereditary cancer-predisposing syndrome. Last evaluated: 2023-09-20. Review status: criteria provided, single submitter. Criteria: Ambry Variant Classification Scheme 2023. Collection method: clinical testing. Allele origin: germline.
Comment: The p.M1199T variant (also known as c.3596T>C), located in coding exon 23 of the ALK gene, results from a T to C substitution at nucleotide position 3596. The methionine at codon 1199 is replaced by threonine, an amino acid with similar properties. This amino acid position is conserved. In addition, this alteration is predicted to be deleterious by in silico analysis. Since supporting evidence is limited at this time, the clinical significance of this alteration remains unclear.

NM_004304.5(ALK):c.3596T>C (p.Met1199Thr)

Gene: ALK (ALK receptor tyrosine kinase; minus strand). Cytogenetic location: 2p23.2.
Variant type: single nucleotide variant.
Coding change: c.3596T>C on transcript NM_004304.5 (MANE Select); coding-DNA position 3596, T replaced by C.
Protein change: p.Met1199Thr; replaces methionine 1199 with threonine.
Molecular consequence: missense variant.
Genome position (GRCh38, 1-based): chr2:29,220,755, A>G on the plus strand (T>C on the coding strand, the complement: ALK is on the minus strand). VCF-style: chr2-29220755-A-G. GRCh37 (hg19) VCF-style: chr2-29443621-A-G.
Other names: c.392T>C, p.Met131Thr (NM_001353765.2); short protein forms M1199T, M131T.
Identifiers: ClinVar variation 3223866 (VCV003223866.1), dbSNP rs2148166477, ClinGen allele CA346473042.